The following is an entry in ClinVar:

ClinVar aggregate classification (germline): Likely pathogenic (1 of 4 stars; one submission).

Submission:

GeneDx
Classification: Likely pathogenic. Last evaluated: 2026-01-25. Review status: criteria provided, single submitter. Criteria: GeneDx Variant Classification Process June 2021. Collection method: clinical testing. Allele origin: germline.
Comment: This substitution is predicted to be within the C-terminal cytoplasmic domain.; In silico analysis supports that this missense variant has a deleterious effect on protein structure/function; Not observed at significant frequency in large population cohorts (gnomAD); This variant is associated with the following publications: (PMID: 31780880)

NM_001165963.4(SCN1A):c.5456C>A (p.Ala1819Glu)

Genes: SCN1A (sodium voltage-gated channel alpha subunit 1; minus strand), LOC102724058 (uncharacterized LOC102724058; plus strand). Cytogenetic location: 2q24.3.
Variant type: single nucleotide variant.
Coding change: c.5456C>A on transcript NM_001165963.4 (MANE Select); coding-DNA position 5456, C replaced by A.
Protein change: p.Ala1819Glu; replaces alanine 1819 with glutamic acid.
Molecular consequence: missense variant. On other transcripts: non-coding transcript variant (1).
Genome position (GRCh38, 1-based): chr2:165,991,819, G>T on the plus strand (C>A on the coding strand, the complement: SCN1A is on the minus strand). VCF-style: chr2-165991819-G-T. GRCh37 (hg19) VCF-style: chr2-166848329-G-T.
Other names: c.5372C>A, p.Ala1791Glu (NM_001165964.3, NM_001353957.2, NM_001353958.2); c.5456C>A, p.Ala1819Glu (NM_001202435.3, NM_001353948.2); c.5423C>A, p.Ala1808Glu (NM_001353949.2, NM_001353950.2, NM_001353951.2 and 2 more transcripts); c.5420C>A, p.Ala1807Glu (NM_001353954.2, NM_001353955.2); c.5369C>A, p.Ala1790Glu (NM_001353960.2); c.3014C>A, p.Ala1005Glu (NM_001353961.2); short protein forms A1005E, A1790E, A1791E, A1807E, A1808E, A1819E.
Identifiers: ClinVar variation 3340831 (VCV003340831.2).